The following is an entry in ClinVar:

ClinVar aggregate classification (germline): Uncertain significance (1 of 4 stars; one submission).

Conditions:
Hypertrophic cardiomyopathy 14. Identifiers: MedGen C2750467, MONDO:0013197, OMIM 613251.

Submission:

Labcorp Genetics (formerly Invitae), Labcorp
Classification: Uncertain significance for Hypertrophic cardiomyopathy 14. Last evaluated: 2023-09-13. Review status: criteria provided, single submitter. Criteria: Invitae Variant Classification Sherloc (09022015). Collection method: clinical testing. Allele origin: germline.
Comment: In summary, the available evidence is currently insufficient to determine the role of this variant in disease. Therefore, it has been classified as a Variant of Uncertain Significance. Experimental studies and prediction algorithms are not available or were not evaluated, and the functional significance of this variant is currently unknown. This variant has not been reported in the literature in individuals affected with MYH6-related conditions. This variant is not present in population databases (gnomAD no frequency). This variant, c.2633_2635del, results in the deletion of 1 amino acid(s) of the MYH6 protein (p.Lys878del), but otherwise preserves the integrity of the reading frame.

NM_002471.4(MYH6):c.2630AGA[1] (p.Lys878del)

Gene: MYH6 (myosin heavy chain 6; minus strand). Cytogenetic location: 14q11.2.
Variant type: Microsatellite.
Coding change: c.2630AGA[1] on transcript NM_002471.4 (MANE Select); one copy of the 3-base unit AGA starting at c.2630; the reference has two copies in a row; one copy, 3 bases deleted.
Protein change: p.Lys878del; deletes lysine 878.
Molecular consequence: inframe deletion.
Genome position (GRCh38, 1-based): chr14:23,394,118-23,394,120, TCT deleted on the plus strand (AGA on the coding strand, the reverse complement: MYH6 is on the minus strand); deleting any 3 consecutive bases within chr14:23,394,118-23,394,123 gives the same sequence; the position shown is the placement nearest the transcript's 3' end. VCF-style (leftmost placement, unchanged base first): chr14-23394117-ATCT-A. GRCh37 (hg19) VCF-style: chr14-23863326-ATCT-A.
Other names: short protein forms K878del.
Identifiers: ClinVar variation 2760493 (VCV002760493.3), dbSNP rs2502171779, ClinGen allele CA2697553839.